The following is an entry in ClinVar:

NM_001278716.2(FBXL4):c.1348T>C (p.Cys450Arg)

Gene: FBXL4 (F-box and leucine rich repeat protein 4; minus strand). Cytogenetic location: 6q16.1.
Variant type: single nucleotide variant.
Coding change: c.1348T>C on transcript NM_001278716.2 (MANE Select); coding-DNA position 1348, T replaced by C.
Protein change: p.Cys450Arg; replaces cysteine 450 with arginine.
Molecular consequence: missense variant. On other transcripts: non-coding transcript variant (1).
Genome position (GRCh38, 1-based): chr6:98,880,594, A>G on the plus strand (T>C on the coding strand, the complement: FBXL4 is on the minus strand). VCF-style: chr6-98880594-A-G. GRCh37 (hg19) VCF-style: chr6-99328470-A-G.
Other names: c.1348T>C, p.Cys450Arg (NM_012160.5); short protein forms C450R.
Identifiers: ClinVar variation 5040029 (VCV005040029.1).

ClinVar aggregate classification (germline): Uncertain significance (1 of 4 stars; one submission).

gnomAD v4.1: 2 of 1,613,920 alleles (0.00012%); highest among the groups gnomAD compares: Admixed American, 0.0033%; no homozygotes.

Submission:

CeGaT Center for Human Genetics Tuebingen
Classification: Uncertain significance. Last evaluated: 2026-07-01. Review status: criteria provided, single submitter. Criteria: CeGaT Center For Human Genetics Tuebingen Variant Classification Criteria Version 2. Collection method: clinical testing. Allele origin: germline. Affected: yes. Observed: 1 variant allele.
Comment: FBXL4: PM2, PM3:Supporting, PM5:Supporting